The following is an entry in ClinVar:

ClinVar aggregate classification (germline): Benign. Review status: criteria provided, multiple submitters, no conflicts (2 of 4 stars). 4 submissions from 4 submitters: Benign (4). Last evaluated 2024-01-24.

Conditions:
Netherton syndrome (NETH). Also called: NETHERTON DISEASE; ERYTHRODERMA, ICHTHYOSIFORM, WITH HYPOTRICHOSIS AND HYPER-IgE; COMEL-NETHERTON SYNDROME. Identifiers: Orphanet 634, MedGen C5574950, MONDO:0009735, OMIM 256500.

Allele frequency attached by ClinVar (database versions not stated): gnomAD exomes 0.39052 and 0.40154; ExAC 0.41167; gnomAD 0.43753 and 0.43859; ESP Exome Variant Server 0.44147; TOPMed 0.44166; 1000 Genomes Project 30x 0.49001; 1000 Genomes Project 0.49101.
gnomAD v4.1: 636,974 of 1,609,546 alleles (40%); highest among the groups gnomAD compares: African/African-American, 58%; 130,258 homozygotes.

Submissions (4):

Unidad de Genómica Garrahan, Hospital de Pediatría Garrahan
Classification: Benign. Last evaluated: 2024-01-24. Review status: criteria provided, single submitter. Criteria: ACMG Guidelines, 2015. Collection method: clinical testing. Allele origin: germline. Affected: no. Observed: 50 variant alleles.
Comment: This variant is classified as Benign based on local population frequency. This variant was detected in 57% of patients studied by a panel of primary immunodeficiencies. Number of patients: 50. Only high quality variants are reported.

Genome-Nilou Lab
Classification: Benign for Netherton syndrome. Last evaluated: 2021-07-15. Review status: criteria provided, single submitter. Criteria: ACMG Guidelines, 2015. Collection method: clinical testing. Allele origin: germline. Affected: no.

Illumina Laboratory Services, Illumina
Classification: Benign for Netherton syndrome. Last evaluated: 2018-01-13. Review status: criteria provided, single submitter. Criteria: ICSL Variant Classification Criteria 13 December 2019. Collection method: clinical testing. Allele origin: germline.
Comment: This variant was observed in the ICSL laboratory as part of a predisposition screen in an ostensibly healthy population. It had not been previously curated by ICSL or reported in the Human Gene Mutation Database (HGMD: prior to June 1st, 2018), and was therefore a candidate for classification through an automated scoring system. Utilizing variant allele frequency, disease prevalence and penetrance estimates, and inheritance mode, an automated score was calculated to assess if this variant is too frequent to cause the disease. Based on the score and internal cut-off values, a variant classified as benign is not then subjected to further curation. The score for this variant resulted in a classification of benign for this disease.

GeneDx
Classification: Benign. Last evaluated: 2015-03-03. Review status: criteria provided, single submitter. Criteria: GeneDx Variant Classification Process June 2021. Collection method: clinical testing. Allele origin: germline. Affected: yes.

NM_006846.4(SPINK5):c.*44T>C

Gene: SPINK5 (serine peptidase inhibitor Kazal type 5; plus strand). Cytogenetic location: 5q32.
Variant type: single nucleotide variant.
Coding change: c.*44T>C on transcript NM_006846.4 (MANE Select); 44 bases downstream of the stop codon, T replaced by C.
Molecular consequence: 3 prime UTR variant.
Genome position (GRCh38, 1-based): chr5:148,137,035, T>C. VCF-style: chr5-148137035-T-C. GRCh37 (hg19) VCF-style: chr5-147516598-T-C.
Other names: c.*44T>C (NM_001127698.2).
Identifiers: ClinVar variation 351546 (VCV000351546.12), dbSNP rs4349706, ClinGen allele CA3496319.